The following is an entry in ClinVar:

ClinVar aggregate classification (germline): Uncertain significance. Review status: criteria provided, multiple submitters, no conflicts (2 of 4 stars). 2 submissions from 2 submitters: Uncertain significance (2). Last evaluated 2024-08-26.

Conditions:
Combined immunodeficiency due to LRBA deficiency. Also called: Common variable immunodeficiency 8, with autoimmunity. Identifiers: Orphanet 445018, MedGen C3553512, MONDO:0013863, OMIM 614700.
Inborn genetic diseases. Identifiers: MedGen C0950123, MeSH D030342.

Allele frequency attached by ClinVar (database versions not stated): gnomAD exomes 0.00001.
gnomAD v4.1: 14 of 1,606,742 alleles (0.00087%); highest among the groups gnomAD compares: African/African-American, 0.0013%; no homozygotes.

Submissions (2):

Ambry Genetics
Classification: Uncertain significance for Inborn genetic diseases. Last evaluated: 2024-08-26. Review status: criteria provided, single submitter. Criteria: Ambry Variant Classification Scheme 2023. Collection method: clinical testing. Allele origin: germline.

Labcorp Genetics (formerly Invitae), Labcorp
Classification: Uncertain significance for Combined immunodeficiency due to LRBA deficiency. Last evaluated: 2022-05-31. Review status: criteria provided, single submitter. Criteria: Invitae Variant Classification Sherloc (09022015). Collection method: clinical testing. Allele origin: germline.
Comment: This sequence change replaces valine, which is neutral and non-polar, with glycine, which is neutral and non-polar, at codon 1273 of the LRBA protein (p.Val1273Gly). This variant is present in population databases (no rsID available, gnomAD 0.008%). This variant has not been reported in the literature in individuals affected with LRBA-related conditions. ClinVar contains an entry for this variant (Variation ID: 954982). Algorithms developed to predict the effect of missense changes on protein structure and function output the following: SIFT: "Tolerated"; PolyPhen-2: "Benign"; Align-GVGD: "Class C0". The glycine amino acid residue is found in multiple mammalian species, which suggests that this missense change does not adversely affect protein function. In summary, the available evidence is currently insufficient to determine the role of this variant in disease. Therefore, it has been classified as a Variant of Uncertain Significance.

NM_001364905.1(LRBA):c.3818T>G (p.Val1273Gly)

Gene: LRBA (LPS responsive beige-like anchor protein; minus strand). Cytogenetic location: 4q31.3.
Variant type: single nucleotide variant.
Coding change: c.3818T>G on transcript NM_001364905.1 (MANE Select); coding-DNA position 3818, T replaced by G.
Protein change: p.Val1273Gly; replaces valine 1273 with glycine.
Molecular consequence: missense variant.
Genome position (GRCh38, 1-based): chr4:150,851,892, A>C on the plus strand (T>G on the coding strand, the complement: LRBA is on the minus strand). VCF-style: chr4-150851892-A-C. GRCh37 (hg19) VCF-style: chr4-151773044-A-C.
Other names: c.3818T>G, p.Val1273Gly (NM_001199282.3, NM_001367550.1, NM_006726.5); short protein forms V1273G.
Identifiers: ClinVar variation 954982 (VCV000954982.8), dbSNP rs368449672, ClinGen allele CA358456176.
Genomic context (GRCh38, chr4:150,851,892, plus strand): 5'-CTCTTTTTTAACTCAGTGCAAAAGTACTTGAATAAGACAATATATAAAATCACCTCAAGC[A>C]CATGTCGATGAGGTTGAGGTGCTTCCACGTTGGGACTGGCCTTCAACTCCAGCCTCTCAG-3'
Protein context (NP_001351834.1, residues 1263-1283): NVEAPQPHRH[Val1273Gly]LEISRQHEQP